The following is an entry in ClinVar:

NM_138711.6(PPARG):c.998A>G (p.Asn333Ser)

Gene: PPARG (peroxisome proliferator activated receptor gamma; plus strand). Cytogenetic location: 3p25.2.
Variant type: single nucleotide variant.
Coding change: c.998A>G on transcript NM_138711.6 (MANE Select); coding-DNA position 998, A replaced by G.
Protein change: p.Asn333Ser; replaces asparagine 333 with serine.
Molecular consequence: missense variant. On other transcripts: intron variant (5).
Genome position (GRCh38, 1-based): chr3:12,416,972, A>G. VCF-style: chr3-12416972-A-G. GRCh37 (hg19) VCF-style: chr3-12458471-A-G.
Other names: c.998A>G, p.Asn333Ser (NM_001354666.3, NM_001354667.3, NM_001374263.2 and 3 more transcripts); c.371A>G, p.Asn124Ser (NM_001354669.2); c.1088A>G, p.Asn363Ser (NM_015869.5); c.729+10891A>G (NM_001374261.3, NM_001374262.3, NM_001330615.4); c.653+10973A>G (NM_001374266.1); c.819+10891A>G (NM_001374265.1); short protein forms N124S, N363S, N333S.
Identifiers: ClinVar variation 1395816 (VCV001395816.6), dbSNP rs377025335, ClinGen allele CA2258309.
Genomic context (GRCh38, chr3:12,416,972, plus strand): 5'-TAACTCTCCTCAAATATGGAGTCCACGAGATCATTTACACAATGCTGGCCTCCTTGATGA[A>G]TAAAGATGGGGTTCTCATATCCGAGGGCCAAGGCTTCATGACAAGGGAGTTTCTAAAGAG-3'
Protein context (NP_619725.3, residues 323-343): IIYTMLASLM[Asn333Ser]KDGVLISEGQ

ClinVar aggregate classification (germline): Uncertain significance (1 of 4 stars; one submission).

Allele frequency attached by ClinVar (database versions not stated): gnomAD exomes below 0.00001; TOPMed below 0.00001; ExAC 0.00001; gnomAD 0.00001; ESP Exome Variant Server 0.00008.
gnomAD v4.1: 1 of 1,613,998 alleles (0.000062%); highest among the groups gnomAD compares: Non-Finnish European, 0.000085%; no homozygotes.

Submission:

Labcorp Genetics (formerly Invitae), Labcorp
Classification: Uncertain significance. Last evaluated: 2021-11-30. Review status: criteria provided, single submitter. Criteria: Invitae Variant Classification Sherloc (09022015). Collection method: clinical testing. Allele origin: germline.
Comment: This sequence change replaces asparagine, which is neutral and polar, with serine, which is neutral and polar, at codon 363 of the PPARG protein (p.Asn363Ser). This variant is present in population databases (rs377025335, gnomAD 0.0009%). This variant has not been reported in the literature in individuals affected with PPARG-related conditions. Algorithms developed to predict the effect of missense changes on protein structure and function are either unavailable or do not agree on the potential impact of this missense change (SIFT: "Tolerated"; PolyPhen-2: "Probably Damaging"; Align-GVGD: "Class C0"). In summary, the available evidence is currently insufficient to determine the role of this variant in disease. Therefore, it has been classified as a Variant of Uncertain Significance.